The following is an entry in ClinVar:

ClinVar aggregate classification (germline): Likely benign (1 of 4 stars; one submission).

Allele frequency attached by ClinVar (database versions not stated): ExAC 0.00012.
gnomAD v4.1: 10 of 1,256,108 alleles (0.0008%); highest among the groups gnomAD compares: Admixed American, 0.0024%; no homozygotes.

Submission:

CeGaT Center for Human Genetics Tuebingen
Classification: Likely benign. Last evaluated: 2023-08-01. Review status: criteria provided, single submitter. Criteria: CeGaT Center For Human Genetics Tuebingen Variant Classification Criteria Version 2. Collection method: clinical testing. Allele origin: germline. Affected: yes. Observed: 1 variant allele.
Comment: ATXN2: BP4, BP7

NM_001372574.1(ATXN2):c.54G>A (p.Gln18=)

Genes: ATXN2 (ataxin 2; minus strand), LOC130008791 (ATAC-STARR-seq lymphoblastoid silent region 4872; plus strand). Cytogenetic location: 12q24.12.
Variant type: single nucleotide variant.
Coding change: c.54G>A on transcript NM_001372574.1 (MANE Select); coding-DNA position 54, G replaced by A.
Protein change: p.Gln18=; no amino-acid change (glutamine 18 retained).
Molecular consequence: synonymous variant. On other transcripts: non-coding transcript variant (1), intron variant (2).
Genome position (GRCh38, 1-based): chr12:111,598,981, C>T on the plus strand (G>A on the coding strand, the complement: ATXN2 is on the minus strand). VCF-style: chr12-111598981-C-T. GRCh37 (hg19) VCF-style: chr12-112036785-C-T.
Other names: c.54G>A, p.Gln18= (NM_002973.4); c.-28+594G>A (NM_001310123.1); c.-65+594G>A (NM_001310121.1).
Identifiers: ClinVar variation 2643327 (VCV002643327.24), dbSNP rs764111771, ClinGen allele CA6790990.